The following is an entry in ClinVar:

ClinVar aggregate classification (germline): Uncertain significance (1 of 4 stars; one submission).

Conditions:
Martsolf syndrome (MARTS). Also called: Congenital cataract with intellectual disability and hypogonadotropic hypogonadism syndrome. Identifiers: Orphanet 1387, MedGen C0796037, MONDO:0023910.
Warburg micro syndrome 2 (WARBM2). Also called: MICRO SYNDROME 2. Identifiers: Orphanet 2510, MedGen C3280214, MONDO:0013641, OMIM 614225.

Allele frequency attached by ClinVar (database versions not stated): gnomAD 0.00001; gnomAD exomes 0.00001.
gnomAD v4.1: 11 of 1,614,020 alleles (0.00068%); highest among the groups gnomAD compares: Non-Finnish European, 0.00085%; no homozygotes.

Submission:

Labcorp Genetics (formerly Invitae), Labcorp
Classification: Uncertain significance for Martsolf syndrome; Warburg micro syndrome 2. Last evaluated: 2022-06-07. Review status: criteria provided, single submitter. Criteria: Invitae Variant Classification Sherloc (09022015). Collection method: clinical testing. Allele origin: germline.
Comment: In summary, the available evidence is currently insufficient to determine the role of this variant in disease. Therefore, it has been classified as a Variant of Uncertain Significance. Algorithms developed to predict the effect of missense changes on protein structure and function are either unavailable or do not agree on the potential impact of this missense change (SIFT: "Deleterious"; PolyPhen-2: "Probably Damaging"; Align-GVGD: "Class C0"). This variant has not been reported in the literature in individuals affected with RAB3GAP2-related conditions. This variant is not present in population databases (gnomAD no frequency). This sequence change replaces leucine, which is neutral and non-polar, with serine, which is neutral and polar, at codon 759 of the RAB3GAP2 protein (p.Leu759Ser).

NM_012414.4(RAB3GAP2):c.2276T>C (p.Leu759Ser)

Gene: RAB3GAP2 (RAB3 GTPase activating non-catalytic protein subunit 2; minus strand). Cytogenetic location: 1q41.
Variant type: single nucleotide variant.
Coding change: c.2276T>C on transcript NM_012414.4 (MANE Select); coding-DNA position 2276, T replaced by C.
Protein change: p.Leu759Ser; replaces leucine 759 with serine.
Molecular consequence: missense variant.
Genome position (GRCh38, 1-based): chr1:220,182,291, A>G on the plus strand (T>C on the coding strand, the complement: RAB3GAP2 is on the minus strand). VCF-style: chr1-220182291-A-G. GRCh37 (hg19) VCF-style: chr1-220355633-A-G.
Other names: short protein forms L759S.
Identifiers: ClinVar variation 2182356 (VCV002182356.4), dbSNP rs1658424701, ClinGen allele CA344641570.
Genomic context (GRCh38, chr1:220,182,291, plus strand): 5'-GCATCCAGCAACCAAAAAAACCTTACCAACAACAGCTGAGGGCTAAGACCAGCCGACTCC[A>G]AAGTGTGACACATATCCTCAGTGGAGCTTTCTCCATGCAAACACTTCCAAAAAAAGAAAC-3'
Protein context (NP_036546.2, residues 749-769): ESSTEDMCHT[Leu759Ser]ESAGLSPQLL